The following is an entry in ClinVar:

ClinVar aggregate classification (germline): Uncertain significance (1 of 4 stars; one submission).

Allele frequency attached by ClinVar (database versions not stated): gnomAD exomes below 0.00001; ExAC 0.00001.
gnomAD v4.1: 1 of 1,603,530 alleles (0.000062%); highest among the groups gnomAD compares: East Asian, 0.0022%; no homozygotes.

Submission:

Ambry Genetics
Classification: Uncertain significance. Last evaluated: 2022-11-10. Review status: criteria provided, single submitter. Criteria: Ambry Variant Classification Scheme 2023. Collection method: clinical testing. Allele origin: germline.
Comment: The p.K329N variant (also known as c.987A>C), located in coding exon 11 of the PRKDC gene, results from an A to C substitution at nucleotide position 987. The lysine at codon 329 is replaced by asparagine, an amino acid with similar properties. This amino acid position is conserved. In addition, this alteration is predicted to be tolerated by in silico analysis. Since supporting evidence is limited at this time, the clinical significance of this alteration remains unclear.

NM_006904.7(PRKDC):c.987A>C (p.Lys329Asn)

Gene: PRKDC (protein kinase, DNA-activated, catalytic subunit; minus strand). Cytogenetic location: 8q11.21.
Variant type: single nucleotide variant.
Coding change: c.987A>C on transcript NM_006904.7 (MANE Select); coding-DNA position 987, A replaced by C.
Protein change: p.Lys329Asn; replaces lysine 329 with asparagine.
Molecular consequence: missense variant.
Genome position (GRCh38, 1-based): chr8:47,939,677, T>G on the plus strand (A>C on the coding strand, the complement: PRKDC is on the minus strand). VCF-style: chr8-47939677-T-G. GRCh37 (hg19) VCF-style: chr8-48852237-T-G.
Other names: c.987A>C, p.Lys329Asn (NM_001081640.2); short protein forms K329N.
Identifiers: ClinVar variation 2497424 (VCV002497424.2), dbSNP rs780245163, ClinGen allele CA4741855.